The following is an entry in ClinVar:

NM_020937.4(FANCM):c.1516A>G (p.Met506Val)

Gene: FANCM (FA complementation group M; plus strand). Cytogenetic location: 14q21.2.
Variant type: single nucleotide variant.
Coding change: c.1516A>G on transcript NM_020937.4 (MANE Select); coding-DNA position 1516, A replaced by G.
Protein change: p.Met506Val; replaces methionine 506 with valine.
Molecular consequence: missense variant.
Genome position (GRCh38, 1-based): chr14:45,159,215, A>G. VCF-style: chr14-45159215-A-G. GRCh37 (hg19) VCF-style: chr14-45628418-A-G.
Other names: c.1438A>G, p.Met480Val (NM_001308133.2); c.1516A>G, p.Met506Val (NM_001308134.2); c.1516A>G (NM_020937.2); short protein forms M480V, M506V.
Identifiers: ClinVar variation 1013978 (VCV001013978.7), dbSNP rs758763305, ClinGen allele CA7169069.

ClinVar aggregate classification (germline): Uncertain significance. Review status: criteria provided, multiple submitters, no conflicts (2 of 4 stars). 2 submissions from 2 submitters: Uncertain significance (2). Last evaluated 2025-01-17.

Conditions:
Fanconi anemia (FA). Also called: Fanconi's anemia. Identifiers: Orphanet 84, MedGen C0015625, MeSH D005199, MONDO:0019391.
Inborn genetic diseases. Identifiers: MedGen C0950123, MeSH D030342.

Allele frequency attached by ClinVar (database versions not stated): gnomAD 0.00001; gnomAD exomes below 0.00001; TOPMed below 0.00001; ExAC 0.00001.
gnomAD v4.1: 2 of 1,613,872 alleles (0.00012%); highest among the groups gnomAD compares: Admixed American, 0.0033%; no homozygotes.

Submissions (2):

Ambry Genetics
Classification: Uncertain significance for Inborn genetic diseases. Last evaluated: 2025-01-17. Review status: criteria provided, single submitter. Criteria: Ambry Variant Classification Scheme 2023. Collection method: clinical testing. Allele origin: germline.
Comment: The p.M506V variant (also known as c.1516A>G), located in coding exon 9 of the FANCM gene, results from an A to G substitution at nucleotide position 1516. The methionine at codon 506 is replaced by valine, an amino acid with highly similar properties. This amino acid position is conserved. In addition, the in silico prediction for this alteration is inconclusive. Based on the available evidence, the clinical significance of this variant remains unclear.

Labcorp Genetics (formerly Invitae), Labcorp
Classification: Uncertain significance for Fanconi anemia. Last evaluated: 2022-07-23. Review status: criteria provided, single submitter. Criteria: Invitae Variant Classification Sherloc (09022015). Collection method: clinical testing. Allele origin: germline.
Comment: This variant is present in population databases (rs758763305, gnomAD 0.003%). This sequence change replaces methionine, which is neutral and non-polar, with valine, which is neutral and non-polar, at codon 506 of the FANCM protein (p.Met506Val). This variant has not been reported in the literature in individuals affected with FANCM-related conditions. In summary, the available evidence is currently insufficient to determine the role of this variant in disease. Therefore, it has been classified as a Variant of Uncertain Significance. Algorithms developed to predict the effect of missense changes on protein structure and function (SIFT, PolyPhen-2, Align-GVGD) all suggest that this variant is likely to be tolerated. ClinVar contains an entry for this variant (Variation ID: 1013978).